The following is an entry in ClinVar:

NM_000350.3(ABCA4):c.2909C>T (p.Thr970Ile)

Gene: ABCA4 (ATP binding cassette subfamily A member 4; minus strand). Cytogenetic location: 1p22.1.
Variant type: single nucleotide variant.
Coding change: c.2909C>T on transcript NM_000350.3 (MANE Select); coding-DNA position 2909, C replaced by T.
Protein change: p.Thr970Ile; replaces threonine 970 with isoleucine.
Molecular consequence: missense variant.
Genome position (GRCh38, 1-based): chr1:94,046,928, G>A on the plus strand (C>T on the coding strand, the complement: ABCA4 is on the minus strand). VCF-style: chr1-94046928-G-A. GRCh37 (hg19) VCF-style: chr1-94512484-G-A.
Other names: c.2687C>T, p.Thr896Ile (NM_001425324.1); short protein forms T970I, T896I.
Identifiers: ClinVar variation 1042099 (VCV001042099.8), dbSNP rs1660700107, ClinGen allele CA341275297.

ClinVar aggregate classification (germline): Pathogenic (1 of 4 stars; one submission).

gnomAD v4.1: 1 of 1,614,124 alleles (0.000062%); highest among the groups gnomAD compares: Non-Finnish European, 0.000085%; no homozygotes.

Submission:

Labcorp Genetics (formerly Invitae), Labcorp
Classification: Pathogenic. Last evaluated: 2025-05-27. Review status: criteria provided, single submitter. Criteria: Invitae Variant Classification Sherloc (09022015). Collection method: clinical testing. Allele origin: germline.
Comment: This sequence change replaces threonine, which is neutral and polar, with isoleucine, which is neutral and non-polar, at codon 970 of the ABCA4 protein (p.Thr970Ile). This variant is not present in population databases (gnomAD no frequency). This missense change has been observed in individual(s) with ABCA4-associated retinopathy and/or Stargardt disease (PMID: 18652558, 33090715, 37498587; internal data). ClinVar contains an entry for this variant (Variation ID: 1042099). Invitae Evidence Modeling of protein sequence and biophysical properties (such as structural, functional, and spatial information, amino acid conservation, physicochemical variation, residue mobility, and thermodynamic stability) indicates that this missense variant is expected to disrupt ABCA4 protein function with a positive predictive value of 95%. This variant disrupts the p.Thr970 amino acid residue in ABCA4. Other variant(s) that disrupt this residue have been observed in individuals with ABCA4-related conditions (PMID: 33301772), which suggests that this may be a clinically significant amino acid residue. For these reasons, this variant has been classified as Pathogenic.

Literature cited by the submitters: PubMed 18652558; PubMed 33090715; PubMed 37498587; PubMed 33301772.